The following is an entry in ClinVar:

ClinVar aggregate classification (germline): Uncertain significance. Review status: criteria provided, multiple submitters, no conflicts (2 of 4 stars). 3 submissions from 3 submitters: Uncertain significance (3). Last evaluated 2025-12-03.

Allele frequency attached by ClinVar (database versions not stated): gnomAD 0.00001; TOPMed 0.00001; ExAC 0.00004; ESP Exome Variant Server 0.00008.
gnomAD v4.1: 46 of 1,609,962 alleles (0.0029%); highest among the groups gnomAD compares: South Asian, 0.011%; no homozygotes.

Submissions (3):

Labcorp Genetics (formerly Invitae), Labcorp
Classification: Uncertain significance. Last evaluated: 2025-12-03. Review status: criteria provided, single submitter. Criteria: Invitae Variant Classification Sherloc (09022015). Collection method: clinical testing. Allele origin: germline.
Comment: This sequence change affects a donor splice site in intron 13 of the DDX58 gene. It is expected to disrupt RNA splicing. Variants that disrupt the donor or acceptor splice site typically lead to a loss of protein function (PMID: 16199547), however the current clinical and genetic evidence is not sufficient to establish whether loss-of-function variants in DDX58 cause disease. This variant is present in population databases (rs376064542, gnomAD 0.01%). This variant has not been reported in the literature in individuals affected with DDX58-related conditions. ClinVar contains an entry for this variant (Variation ID: 1904057). Algorithms developed to predict the effect of sequence changes on RNA splicing suggest that this variant may disrupt the consensus splice site. In summary, the available evidence is currently insufficient to determine the role of this variant in disease. Therefore, it has been classified as a Variant of Uncertain Significance.

Mayo Clinic Laboratories, Mayo Clinic
Classification: Uncertain significance. Last evaluated: 2025-05-04. Review status: criteria provided, single submitter. Criteria: ACMG Guidelines, 2015. Collection method: clinical testing. Allele origin: germline. Observed: 1 variant allele.

Blueprint Genetics
Classification: Uncertain significance. Last evaluated: 2023-11-14. Review status: criteria provided, single submitter. Criteria: ACMG Guidelines, 2015. Collection method: clinical testing. Allele origin: germline.

Literature cited by the submitters: PubMed 16199547 (cited by Labcorp Genetics (formerly Invitae), Labcorp).

NM_014314.4(RIGI):c.1923+1G>A

Gene: RIGI (RNA sensor RIG-I; minus strand). Cytogenetic location: 9p21.1.
Variant type: single nucleotide variant.
Coding change: c.1923+1G>A on transcript NM_014314.4 (MANE Select); the canonical splice donor site of the intron after coding-DNA position 1923, G replaced by A.
Molecular consequence: splice donor variant.
Genome position (GRCh38, 1-based): chr9:32,476,982, C>T on the plus strand (G>A on the coding strand, the complement: RIGI is on the minus strand). VCF-style: chr9-32476982-C-T. GRCh37 (hg19) VCF-style: chr9-32476980-C-T.
Other names: c.1314+1G>A (NM_001385912.1); c.1908+1G>A (NM_001385913.1); c.1917+1G>A (NM_001385907.1); c.1923+1G>A (NM_001385909.1); c.1479+1G>A (NM_001385914.1); c.1482+1G>A (NM_001385910.1).
Identifiers: ClinVar variation 1904057 (VCV001904057.7), dbSNP rs376064542, ClinGen allele CA5019642.